The following is an entry in ClinVar:

NM_001040142.2(SCN2A):c.113A>C (p.Lys38Thr)

Gene: SCN2A (sodium voltage-gated channel alpha subunit 2; plus strand). Cytogenetic location: 2q24.3.
Variant type: single nucleotide variant.
Coding change: c.113A>C on transcript NM_001040142.2 (MANE Select); coding-DNA position 113, A replaced by C.
Protein change: p.Lys38Thr; replaces lysine 38 with threonine.
Molecular consequence: missense variant.
Genome position (GRCh38, 1-based): chr2:165,295,936, A>C. VCF-style: chr2-165295936-A-C. GRCh37 (hg19) VCF-style: chr2-166152446-A-C.
Other names: c.113A>C, p.Lys38Thr (NM_001040143.2, NM_001371246.1, NM_001371247.1 and 1 more transcripts); short protein forms K38T.
Identifiers: ClinVar variation 2575716 (VCV002575716.1), dbSNP rs2467838227, ClinGen allele CA349010017.

ClinVar aggregate classification (germline): Uncertain significance (1 of 4 stars; one submission).

gnomAD v4.1: 4 of 1,614,140 alleles (0.00025%); highest among the groups gnomAD compares: Non-Finnish European, 0.00034%; no homozygotes.

Submission:

GeneDx
Classification: Uncertain significance. Last evaluated: 2023-08-12. Review status: criteria provided, single submitter. Criteria: GeneDx Variant Classification Process June 2021. Collection method: clinical testing. Allele origin: germline. Affected: yes.
Comment: Not observed at significant frequency in large population cohorts (gnomAD); Missense variants in this gene are often considered pathogenic (HGMD); In silico analysis supports that this missense variant has a deleterious effect on protein structure/function; This substitution is predicted to be within the N-terminal cytoplasmic domain; Has not been previously published as pathogenic or benign to our knowledge